The following is an entry in ClinVar:

ClinVar aggregate classification (germline): Uncertain significance (1 of 4 stars; one submission).

gnomAD v4.1: 1 of 1,614,040 alleles (0.000062%); highest among the groups gnomAD compares: African/African-American, 0.0013%; no homozygotes.

Submission:

Women's Health and Genetics/Laboratory Corporation of America, LabCorp
Classification: Uncertain significance. Last evaluated: 2025-06-25. Review status: criteria provided, single submitter. Criteria: LabCorp Variant Classification Summary - May 2015. Collection method: clinical testing. Allele origin: germline.
Comment: Variant summary: EIF2AK3 c.2956G>A (p.Gly986Arg) results in a non-conservative amino acid change in the encoded protein sequence. Algorithms developed to predict the effect of missense changes on protein structure and function all suggest that this variant is likely to be disruptive. The variant was absent in 251208 control chromosomes (gnomAD). c.2956G>A has been observed in an individual affected with Wolcott-Rallison dysplasia (Rubio-Cabezas_2009). These data indicate that the variant may be associated with disease. To our knowledge, no experimental evidence demonstrating an impact on protein function has been reported. The following publication has been ascertained in the context of this evaluation (PMID: 19837917). No submitters have cited clinical-significance assessments for this variant to ClinVar. Based on the evidence outlined above, the variant was classified as VUS-possibly pathogenic.

Literature cited by the submitters: PubMed 19837917.

NM_004836.7(EIF2AK3):c.2956G>A (p.Gly986Arg)

Genes: EIF2AK3 (eukaryotic translation initiation factor 2 alpha kinase 3; minus strand), EIF2AK3-AS1 (EIF2AK3 antisense RNA 1; plus strand). Cytogenetic location: 2p11.2.
Variant type: single nucleotide variant.
Coding change: c.2956G>A on transcript NM_004836.7 (MANE Select); coding-DNA position 2956, G replaced by A.
Protein change: p.Gly986Arg; replaces glycine 986 with arginine.
Molecular consequence: missense variant.
Genome position (GRCh38, 1-based): chr2:88,570,903, C>T on the plus strand (G>A on the coding strand, the complement: EIF2AK3 is on the minus strand). VCF-style: chr2-88570903-C-T. GRCh37 (hg19) VCF-style: chr2-88870421-C-T.
Other names: c.2503G>A, p.Gly835Arg (NM_001313915.2); short protein forms G835R, G986R.
Identifiers: ClinVar variation 3907542 (VCV003907542.1).